The following is an entry in ClinVar:

NM_003482.4(KMT2D):c.10394G>T (p.Gly3465Val)

Gene: KMT2D (lysine methyltransferase 2D; minus strand). Cytogenetic location: 12q13.12.
Variant type: single nucleotide variant.
Coding change: c.10394G>T on transcript NM_003482.4 (MANE Select); coding-DNA position 10394, G replaced by T.
Protein change: p.Gly3465Val; replaces glycine 3465 with valine.
Molecular consequence: missense variant.
Genome position (GRCh38, 1-based): chr12:49,034,628, C>A on the plus strand (G>T on the coding strand, the complement: KMT2D is on the minus strand). VCF-style: chr12-49034628-C-A. GRCh37 (hg19) VCF-style: chr12-49428411-C-A.
Other names: short protein forms G3465V.
Identifiers: ClinVar variation 2890283 (VCV002890283.4), dbSNP rs373801234, ClinGen allele CA6546520.

ClinVar aggregate classification (germline): Conflicting classifications of pathogenicity. Review status: criteria provided, conflicting classifications (1 of 4 stars). 2 submissions from 2 submitters: Uncertain significance (1); Benign (1). Last evaluated 2025-10-15.

Conditions:
Kabuki syndrome. Also called: NIIKAWA-KUROKI SYNDROME; Kabuki make-up syndrome. Identifiers: Orphanet 2322, MedGen C0796004, MONDO:0016512.
KMT2D-related disorder. Also called: KMT2D-Related Disorders.

Allele frequency attached by ClinVar (database versions not stated): ExAC 0.00002; TOPMed 0.00002; ESP Exome Variant Server 0.00016.
gnomAD v4.1: 16 of 1,613,188 alleles (0.00099%); highest among the groups gnomAD compares: Admixed American, 0.005%; no homozygotes.

Submissions (2):

Labcorp Genetics (formerly Invitae), Labcorp
Classification: Benign for Kabuki syndrome. Last evaluated: 2025-10-15. Review status: criteria provided, single submitter. Criteria: Invitae Variant Classification Sherloc (09022015). Collection method: clinical testing. Allele origin: germline.

PreventionGenetics, part of Exact Sciences
Classification: Uncertain significance for KMT2D-related condition. Last evaluated: 2025-03-25. Review status: criteria provided, single submitter. Criteria: ACMG Guidelines, 2015. Collection method: clinical testing. Allele origin: germline.
Comment: The KMT2D c.10394G>T variant is predicted to result in the amino acid substitution p.Gly3465Val. To our knowledge, this variant has not been reported in the literature. This variant is reported in 0.0065% of alleles in individuals of African descent in gnomAD. At this time, the clinical significance of this variant is uncertain due to the absence of conclusive functional and genetic evidence.